The following is an entry in ClinVar:

NM_001148.6(ANK2):c.4805A>T (p.Glu1602Val)

Gene: ANK2 (ankyrin 2; plus strand). Cytogenetic location: 4q26.
Variant type: single nucleotide variant.
Coding change: c.4805A>T on transcript NM_001148.6 (MANE Select); coding-DNA position 4805, A replaced by T.
Protein change: p.Glu1602Val; replaces glutamic acid 1602 with valine.
Molecular consequence: missense variant. On other transcripts: intron variant (68).
Genome position (GRCh38, 1-based): chr4:113,353,423, A>T. VCF-style: chr4-113353423-A-T. GRCh37 (hg19) VCF-style: chr4-114274579-A-T.
Other names: c.4327+3174A>T (NM_001354258.2, NM_001354228.2); c.4264+3174A>T (NM_001354245.2, NM_001354262.2, NM_001354275.2); c.4228+3174A>T (NM_001354268.2); c.4126+3174A>T (NM_001354273.2); c.4426+3174A>T (NM_020977.5); c.4483+3174A>T (NM_001386152.1); c.4504+3174A>T (NM_001354237.2); c.4405+3174A>T (NM_001354230.2); and 35 more; short protein forms E1524V, E1602V, E1641V, E1649V, E402V.
Identifiers: ClinVar variation 4774288 (VCV004774288.1).
Genomic context (GRCh38, chr4:113,353,423, plus strand): 5'-GGTCTGAGAGAGGATTAGTTGAAGAGGAATGGGTTATTGTCAGTGATGAGGAAATAGAAG[A>T]GGCTAGGCAAAAAGCACCTTTAGAAATCACTGAATATCCATGTGTAGAAGTTAGAATAGA-3'
Protein context (NP_001139.3, residues 1592-1612): WVIVSDEEIE[Glu1602Val]ARQKAPLEIT

ClinVar aggregate classification (germline): Uncertain significance (1 of 4 stars; one submission).

Conditions:
Long QT syndrome (LQTS). Identifiers: MedGen C0023976, MeSH D008133, MONDO:0002442. Disease mechanism: loss of function. Inheritance: Various modes of inheritance.

Submission:

Labcorp Genetics (formerly Invitae), Labcorp
Classification: Uncertain significance for Long QT syndrome. Last evaluated: 2025-11-26. Review status: criteria provided, single submitter. Criteria: Invitae Variant Classification Sherloc (09022015). Collection method: clinical testing. Allele origin: germline.
Comment: This sequence change replaces glutamic acid, which is acidic and polar, with valine, which is neutral and non-polar, at codon 1602 of the ANK2 protein (p.Glu1602Val). This variant is not present in population databases (gnomAD no frequency). This variant has not been reported in the literature in individuals affected with ANK2-related conditions. Invitae Evidence Modeling of protein sequence and biophysical properties (such as structural, functional, and spatial information, amino acid conservation, physicochemical variation, residue mobility, and thermodynamic stability) has been performed for this missense variant. However, the output from this modeling did not meet the statistical confidence thresholds required to predict the impact of this variant on ANK2 protein function. In summary, the available evidence is currently insufficient to determine the role of this variant in disease. Therefore, it has been classified as a Variant of Uncertain Significance.